The following is an entry in ClinVar:

NM_194248.3(OTOF):c.1891A>T (p.Ile631Phe)

Gene: OTOF (otoferlin; minus strand). Cytogenetic location: 2p23.3.
Variant type: single nucleotide variant.
Coding change: c.1891A>T on transcript NM_194248.3 (MANE Select); coding-DNA position 1891, A replaced by T.
Protein change: p.Ile631Phe; replaces isoleucine 631 with phenylalanine.
Molecular consequence: missense variant.
Genome position (GRCh38, 1-based): chr2:26,480,224, T>A on the plus strand (A>T on the coding strand, the complement: OTOF is on the minus strand). VCF-style: chr2-26480224-T-A. GRCh37 (hg19) VCF-style: chr2-26703092-T-A.
Other names: c.1891A>T, p.Ile631Phe (NM_001287489.2); short protein forms I631F.
Identifiers: ClinVar variation 1420958 (VCV001420958.3), dbSNP rs765083847, ClinGen allele CA1564150.

ClinVar aggregate classification (germline): Uncertain significance (1 of 4 stars; one submission).

Allele frequency attached by ClinVar (database versions not stated): ExAC 0.00001; gnomAD 0.00001; gnomAD exomes 0.00002; TOPMed 0.00001.
gnomAD v4.1: 30 of 1,611,562 alleles (0.0019%); highest among the groups gnomAD compares: Non-Finnish European, 0.0024%; no homozygotes.

Submission:

Labcorp Genetics (formerly Invitae), Labcorp
Classification: Uncertain significance. Last evaluated: 2022-07-19. Review status: criteria provided, single submitter. Criteria: Invitae Variant Classification Sherloc (09022015). Collection method: clinical testing. Allele origin: germline.
Comment: This sequence change replaces isoleucine, which is neutral and non-polar, with phenylalanine, which is neutral and non-polar, at codon 631 of the OTOF protein (p.Ile631Phe). This variant is present in population databases (rs765083847, gnomAD 0.004%). This variant has not been reported in the literature in individuals affected with OTOF-related conditions. ClinVar contains an entry for this variant (Variation ID: 1420958). Algorithms developed to predict the effect of missense changes on protein structure and function are either unavailable or do not agree on the potential impact of this missense change (SIFT: "Deleterious"; PolyPhen-2: "Probably Damaging"; Align-GVGD: "Class C0"). In summary, the available evidence is currently insufficient to determine the role of this variant in disease. Therefore, it has been classified as a Variant of Uncertain Significance.